The following is an entry in ClinVar:

ClinVar aggregate classification (germline): Likely benign. Review status: criteria provided, multiple submitters, no conflicts (2 of 4 stars). 2 submissions from 2 submitters: Likely benign (2). Last evaluated 2025-05-13.

Conditions:
DHX37-related disorder. Also called: DHX37-related condition; DHX37-Related Disorders.

Allele frequency attached by ClinVar (database versions not stated): gnomAD exomes 0.00006 and 0.00031; ExAC 0.00031; gnomAD 0.00096 and 0.00100; ESP Exome Variant Server 0.00100; TOPMed 0.00116; 1000 Genomes Project 0.00160; 1000 Genomes Project 30x 0.00187.

Submissions (2):

PreventionGenetics, part of Exact Sciences
Classification: Likely benign for DHX37-related condition. Last evaluated: 2025-05-13. Review status: criteria provided, single submitter. Criteria: ACMG Guidelines, 2015. Collection method: clinical testing. Allele origin: germline.
Comment: This variant is classified as likely benign based on ACMG/AMP sequence variant interpretation guidelines (Richards et al. 2015 PMID: 25741868, with internal and published modifications).

Labcorp Genetics (formerly Invitae), Labcorp
Classification: Likely benign. Last evaluated: 2023-11-25. Review status: criteria provided, single submitter. Criteria: Invitae Variant Classification Sherloc (09022015). Collection method: clinical testing. Allele origin: germline.

NM_032656.4(DHX37):c.3019C>G (p.Leu1007Val)

Gene: DHX37 (DEAH-box helicase 37; minus strand). Cytogenetic location: 12q24.31.
Variant type: single nucleotide variant.
Coding change: c.3019C>G on transcript NM_032656.4 (MANE Select); coding-DNA position 3019, C replaced by G.
Protein change: p.Leu1007Val; replaces leucine 1007 with valine.
Molecular consequence: missense variant.
Genome position (GRCh38, 1-based): chr12:124,950,515, G>C on the plus strand (C>G on the coding strand, the complement: DHX37 is on the minus strand). VCF-style: chr12-124950515-G-C. GRCh37 (hg19) VCF-style: chr12-125435061-G-C.
Other names: short protein forms L1007V.
Identifiers: ClinVar variation 724504 (VCV000724504.9), dbSNP rs144251258, ClinGen allele CA6871386.
Genomic context (GRCh38, chr12:124,950,515, plus strand): 5'-GGCAGTATGTAGGGGCTGGTTCCTCCAGGGGCTTGTCAAACTGGCAGTAAGAGGGCAGCA[G>C]GGCCGGGATCCACTGGACCTCCACGCTAGAGACGCCTGGGGGCCGGGGGAGGAAGCTGGG-3'
Protein context (NP_116045.2, residues 997-1017): SSVEVQWIPA[Leu1007Val]LPSYCQFDKP